The following is an entry in ClinVar:

NM_021098.3(CACNA1H):c.4234C>T (p.Arg1412Trp)

Gene: CACNA1H (calcium voltage-gated channel subunit alpha1 H; plus strand). Cytogenetic location: 16p13.3.
Variant type: single nucleotide variant.
Coding change: c.4234C>T on transcript NM_021098.3 (MANE Select); coding-DNA position 4234, C replaced by T.
Protein change: p.Arg1412Trp; replaces arginine 1412 with tryptophan.
Molecular consequence: missense variant.
Genome position (GRCh38, 1-based): chr16:1,211,178, C>T. VCF-style: chr16-1211178-C-T. GRCh37 (hg19) VCF-style: chr16-1261178-C-T.
Other names: c.4234C>T, p.Arg1412Trp (NM_001005407.2); short protein forms R1412W.
Identifiers: ClinVar variation 575753 (VCV000575753.9), dbSNP rs772769994, ClinGen allele CA394178221.

ClinVar aggregate classification (germline): Uncertain significance. Review status: criteria provided, multiple submitters, no conflicts (2 of 4 stars). 2 submissions from 2 submitters: Uncertain significance (2). Last evaluated 2024-06-04.

Conditions:
Hyperaldosteronism, familial, type IV (HALD4). Also called: FH IV; ALDOSTERONISM, PRIMARY, AND HYPERTENSION. Identifiers: Orphanet 642671, MedGen C4310756, MONDO:0014875, OMIM 617027.
Epilepsy, childhood absence, susceptibility to, 6. Identifiers: Orphanet 64280, MedGen C2749872, MONDO:0012763, OMIM 611942.
Idiopathic generalized epilepsy. Also called: EIG; Generalised epilepsy. Identifiers: MedGen C0270850, MONDO:0005579, OMIM 600669.

Allele frequency attached by ClinVar (database versions not stated): gnomAD 0.00003.
gnomAD v4.1: 5 of 1,612,778 alleles (0.00031%); highest among the groups gnomAD compares: South Asian, 0.0011%; no homozygotes.

Submissions (2):

Fulgent Genetics
Classification: Uncertain significance for Epilepsy, childhood absence, susceptibility to, 6; Hyperaldosteronism, familial, type IV. Last evaluated: 2024-06-04. Review status: criteria provided, single submitter. Criteria: ACMG Guidelines, 2015. Collection method: clinical testing. Allele origin: germline.

Labcorp Genetics (formerly Invitae), Labcorp
Classification: Uncertain significance for Idiopathic generalized epilepsy; Hyperaldosteronism, familial, type IV. Last evaluated: 2020-08-14. Review status: criteria provided, single submitter. Criteria: Invitae Variant Classification Sherloc (09022015). Collection method: clinical testing. Allele origin: germline.
Comment: This variant is not present in population databases (ExAC no frequency). This sequence change replaces arginine with tryptophan at codon 1412 of the CACNA1H protein (p.Arg1412Trp). The arginine residue is highly conserved and there is a moderate physicochemical difference between arginine and tryptophan. This variant has not been reported in the literature in individuals with CACNA1H-related disease. In summary, the available evidence is currently insufficient to determine the role of this variant in disease. Therefore, it has been classified as a Variant of Uncertain Significance. Algorithms developed to predict the effect of missense changes on protein structure and function (SIFT, PolyPhen-2, Align-GVGD) all suggest that this variant is likely to be disruptive, but these predictions have not been confirmed by published functional studies and their clinical significance is uncertain.